The following is an entry in ClinVar:

NM_000127.3(EXT1):c.1723-2A>T

Gene: EXT1 (exostosin glycosyltransferase 1; minus strand). Cytogenetic location: 8q24.11.
Variant type: single nucleotide variant.
Coding change: c.1723-2A>T on transcript NM_000127.3 (MANE Select); the canonical splice acceptor site of the intron before coding-DNA position 1723, A replaced by T.
Molecular consequence: splice acceptor variant.
Genome position (GRCh38, 1-based): chr8:117,807,379, T>A on the plus strand (A>T on the coding strand, the complement: EXT1 is on the minus strand). VCF-style: chr8-117807379-T-A. GRCh37 (hg19) VCF-style: chr8-118819618-T-A.
Identifiers: ClinVar variation 958192 (VCV000958192.12), dbSNP rs1823255835, ClinGen allele CA371878698.

ClinVar aggregate classification (germline): Pathogenic/Likely pathogenic. Review status: criteria provided, multiple submitters, no conflicts (2 of 4 stars). 2 submissions from 2 submitters: Pathogenic (1); Likely pathogenic (1). Last evaluated 2022-03-23.

Conditions:
Exostoses, multiple, type 1 (EXT1). Also called: EXOSTOSES, MULTIPLE, TYPE I; Hereditary Multiple Osteochondromatosis, Type I. Identifiers: MedGen CN263289, MONDO:0007585, OMIM 133700.
Multiple congenital exostosis (EXT). Also called: Multiple exostoses; Hereditary multiple osteochondromas; Hereditary multiple exostoses; Hereditary multiple exostosis; Multiple osteochondromas; MULTIPLE CARTILAGINOUS EXOSTOSES. Identifiers: Orphanet 321, MedGen C0015306, MONDO:0005508, HP:0002762.

Submissions (2):

MGZ Medical Genetics Center
Classification: Likely pathogenic for Exostoses, multiple, type 1. Last evaluated: 2022-03-23. Review status: criteria provided, single submitter. Criteria: ACMG Guidelines, 2015. Collection method: clinical testing. Allele origin: germline. Affected: yes. Observed: 1 variant allele.
Comment: ACMG criteria applied: PVS1, PM2_SUP

Labcorp Genetics (formerly Invitae), Labcorp
Classification: Pathogenic for Multiple congenital exostosis. Last evaluated: 2019-08-08. Review status: criteria provided, single submitter. Criteria: Invitae Variant Classification Sherloc (09022015). Collection method: clinical testing. Allele origin: germline.
Comment: For these reasons, this variant has been classified as Pathogenic. Donor and acceptor splice site variants typically lead to a loss of protein function (PMID: 16199547), and loss-of-function variants in EXT1 are known to be pathogenic (PMID: 10679937, 11391482, 19810120). Algorithms developed to predict the effect of sequence changes on RNA splicing suggest that this variant may disrupt the consensus splice site, but this prediction has not been confirmed by published transcriptional studies. Disruption of this splice site has been observed in individuals affected with multiple osteochondromas (PMID: 18165274, 30334991). This variant is not present in population databases (ExAC no frequency). This sequence change affects an acceptor splice site in intron 8 of the EXT1 gene. It is expected to disrupt RNA splicing and likely results in an absent or disrupted protein product.

Literature cited by the submitters: PubMed 16199547 (cited by Labcorp Genetics (formerly Invitae), Labcorp); PubMed 10679937 (cited by Labcorp Genetics (formerly Invitae), Labcorp); PubMed 11391482 (cited by Labcorp Genetics (formerly Invitae), Labcorp); PubMed 19810120 (cited by Labcorp Genetics (formerly Invitae), Labcorp); PubMed 18165274 (cited by Labcorp Genetics (formerly Invitae), Labcorp); PubMed 30334991 (cited by Labcorp Genetics (formerly Invitae), Labcorp).